The following is an entry in ClinVar:

NM_001371986.1(UNC80):c.3807G>C (p.Trp1269Cys)

Genes: UNC80 (unc-80 subunit of NALCN channel complex; plus strand), LOC121725110 (Sharpr-MPRA regulatory region 8902; plus strand). Cytogenetic location: 2q34.
Variant type: single nucleotide variant.
Coding change: c.3807G>C on transcript NM_001371986.1 (MANE Select); coding-DNA position 3807, G replaced by C.
Protein change: p.Trp1269Cys; replaces tryptophan 1269 with cysteine.
Molecular consequence: missense variant.
Genome position (GRCh38, 1-based): chr2:209,872,937, G>C. VCF-style: chr2-209872937-G-C. GRCh37 (hg19) VCF-style: chr2-210737661-G-C.
Other names: c.3813G>C, p.Trp1271Cys (NM_032504.2); c.3798G>C, p.Trp1266Cys (NM_182587.4); short protein forms W1271C, W1266C, W1269C.
Identifiers: ClinVar variation 1953818 (VCV001953818.5), dbSNP rs2471056111, ClinGen allele CA350742815.

ClinVar aggregate classification (germline): Uncertain significance (1 of 4 stars; one submission).

Submission:

Labcorp Genetics (formerly Invitae), Labcorp
Classification: Uncertain significance. Last evaluated: 2022-07-11. Review status: criteria provided, single submitter. Criteria: Invitae Variant Classification Sherloc (09022015). Collection method: clinical testing. Allele origin: germline.
Comment: This variant is not present in population databases (gnomAD no frequency). This sequence change replaces tryptophan, which is neutral and slightly polar, with cysteine, which is neutral and slightly polar, at codon 1271 of the UNC80 protein (p.Trp1271Cys). This variant has not been reported in the literature in individuals affected with UNC80-related conditions. Algorithms developed to predict the effect of missense changes on protein structure and function are either unavailable or do not agree on the potential impact of this missense change (SIFT: "Not Available"; PolyPhen-2: "Probably Damaging"; Align-GVGD: "Not Available"). In summary, the available evidence is currently insufficient to determine the role of this variant in disease. Therefore, it has been classified as a Variant of Uncertain Significance.